The following is an entry in ClinVar:

ClinVar aggregate classification (germline): Uncertain significance (1 of 4 stars; one submission).

Allele frequency attached by ClinVar (database versions not stated): ExAC 0.00002; ESP Exome Variant Server 0.00008.
gnomAD v4.1: 14 of 1,611,830 alleles (0.00087%); highest among the groups gnomAD compares: African/African-American, 0.0067%; no homozygotes.

Submission:

GeneDx
Classification: Uncertain significance. Last evaluated: 2025-11-23. Review status: criteria provided, single submitter. Criteria: GeneDx Variant Classification Process June 2021. Collection method: clinical testing. Allele origin: germline. Affected: yes.
Comment: In silico analysis suggests that this missense variant does not alter protein structure/function; Has not been previously published as pathogenic or benign to our knowledge

NM_004667.6(HERC2):c.6124G>A (p.Ala2042Thr)

Gene: HERC2 (HECT and RLD domain containing E3 ubiquitin protein ligase 2; minus strand). Cytogenetic location: 15q13.1.
Variant type: single nucleotide variant.
Coding change: c.6124G>A on transcript NM_004667.6 (MANE Select); coding-DNA position 6124, G replaced by A.
Protein change: p.Ala2042Thr; replaces alanine 2042 with threonine.
Molecular consequence: missense variant.
Genome position (GRCh38, 1-based): chr15:28,215,707, C>T on the plus strand (G>A on the coding strand, the complement: HERC2 is on the minus strand). VCF-style: chr15-28215707-C-T. GRCh37 (hg19) VCF-style: chr15-28460853-C-T.
Other names: short protein forms A2042T.
Identifiers: ClinVar variation 1341640 (VCV001341640.3), dbSNP rs202046283, ClinGen allele CA7442145.